The following is an entry in ClinVar:

NM_014244.5(ADAMTS2):c.1882C>T (p.Arg628Cys)

Gene: ADAMTS2 (ADAM metallopeptidase with thrombospondin type 1 motif 2; minus strand). Cytogenetic location: 5q35.3.
Variant type: single nucleotide variant.
Coding change: c.1882C>T on transcript NM_014244.5 (MANE Select); coding-DNA position 1882, C replaced by T.
Protein change: p.Arg628Cys; replaces arginine 628 with cysteine.
Molecular consequence: missense variant.
Genome position (GRCh38, 1-based): chr5:179,137,838, G>A on the plus strand (C>T on the coding strand, the complement: ADAMTS2 is on the minus strand). VCF-style: chr5-179137838-G-A. GRCh37 (hg19) VCF-style: chr5-178564839-G-A.
Other names: short protein forms R628C.
Identifiers: ClinVar variation 1326674 (VCV001326674.28), dbSNP rs984794583, ClinGen allele CA133038707.

ClinVar aggregate classification (germline): Uncertain significance. Review status: criteria provided, multiple submitters, no conflicts (2 of 4 stars). 3 submissions from 3 submitters: Uncertain significance (3). Last evaluated 2024-04-01.

Conditions:
Ehlers-Danlos syndrome, dermatosparaxis type. Also called: Dermatosparaxis; EDS VIIC; Ehlers-Danlos syndrome, type VII, autosomal recessive. Identifiers: Orphanet 1901, MedGen C2700425, MONDO:0009161, OMIM 225410.

Allele frequency attached by ClinVar (database versions not stated): gnomAD exomes below 0.00001.
gnomAD v4.1: 5 of 1,572,902 alleles (0.00032%); highest among the groups gnomAD compares: Non-Finnish European, 0.00043%; no homozygotes.

Submissions (3):

CeGaT Center for Human Genetics Tuebingen
Classification: Uncertain significance. Last evaluated: 2024-04-01. Review status: criteria provided, single submitter. Criteria: CeGaT Center For Human Genetics Tuebingen Variant Classification Criteria Version 2. Collection method: clinical testing. Allele origin: germline. Affected: yes. Observed: 1 variant allele.
Comment: ADAMTS2: PM2

GeneDx
Classification: Uncertain significance. Last evaluated: 2021-05-21. Review status: criteria provided, single submitter. Criteria: GeneDx Variant Classification Process June 2021. Collection method: clinical testing. Allele origin: germline. Affected: yes.
Comment: In silico analysis supports that this missense variant has a deleterious effect on protein structure/function; Has not been previously published as pathogenic or benign to our knowledge

Labcorp Genetics (formerly Invitae), Labcorp
Classification: Uncertain significance for Ehlers-Danlos syndrome, dermatosparaxis type. Last evaluated: 2021-03-15. Review status: criteria provided, single submitter. Criteria: Invitae Variant Classification Sherloc (09022015). Collection method: clinical testing. Allele origin: germline.
Comment: This sequence change replaces arginine with cysteine at codon 628 of the ADAMTS2 protein (p.Arg628Cys). The arginine residue is highly conserved and there is a large physicochemical difference between arginine and cysteine. This variant is not present in population databases (ExAC no frequency). This variant has not been reported in the literature in individuals with ADAMTS2-related conditions. Algorithms developed to predict the effect of missense changes on protein structure and function (SIFT, PolyPhen-2, Align-GVGD) all suggest that this variant is likely to be disruptive, but these predictions have not been confirmed by published functional studies and their clinical significance is uncertain. In summary, the available evidence is currently insufficient to determine the role of this variant in disease. Therefore, it has been classified as a Variant of Uncertain Significance.